The following is an entry in ClinVar:

ClinVar aggregate classification (germline): Uncertain significance. Review status: criteria provided, multiple submitters, no conflicts (2 of 4 stars). 3 submissions from 3 submitters: Uncertain significance (3). Last evaluated 2025-12-26.

Conditions:
Cardiovascular phenotype. Identifiers: MedGen CN230736.
RASopathy. Also called: rasopathies; Noonan spectrum disorder. Identifiers: Orphanet 536391, MedGen C5555857, MONDO:0021060.

gnomAD v4.1: 16 of 1,613,644 alleles (0.00099%); highest among the groups gnomAD compares: Non-Finnish European, 0.0013%; no homozygotes.

Submissions (3):

Labcorp Genetics (formerly Invitae), Labcorp
Classification: Uncertain significance for RASopathy. Last evaluated: 2025-12-26. Review status: criteria provided, single submitter. Criteria: Invitae Variant Classification Sherloc (09022015). Collection method: clinical testing. Allele origin: germline.
Comment: This sequence change replaces leucine, which is neutral and non-polar, with valine, which is neutral and non-polar, at codon 162 of the CBL protein (p.Leu162Val). This variant is not present in population databases (gnomAD no frequency). This variant has not been reported in the literature in individuals affected with CBL-related conditions. ClinVar contains an entry for this variant (Variation ID: 3716594). Invitae Evidence Modeling of protein sequence and biophysical properties (such as structural, functional, and spatial information, amino acid conservation, physicochemical variation, residue mobility, and thermodynamic stability) indicates that this missense variant is expected to disrupt CBL protein function with a positive predictive value of 95%. In summary, the available evidence is currently insufficient to determine the role of this variant in disease. Therefore, it has been classified as a Variant of Uncertain Significance.

Ambry Genetics
Classification: Uncertain significance for Cardiovascular phenotype. Last evaluated: 2025-03-22. Review status: criteria provided, single submitter. Criteria: Ambry Variant Classification Scheme 2023. Collection method: clinical testing. Allele origin: germline.
Comment: The p.L162V variant (also known as c.484C>G), located in coding exon 3 of the CBL gene, results from a C to G substitution at nucleotide position 484. The leucine at codon 162 is replaced by valine, an amino acid with highly similar properties. This amino acid position is conserved. In addition, this alteration is predicted to be deleterious by in silico analysis. Based on the available evidence, the clinical significance of this variant remains unclear.

Blueprint Genetics
Classification: Uncertain significance. Last evaluated: 2019-03-26. Review status: criteria provided, single submitter. Criteria: ACMG Guidelines, 2015. Collection method: clinical testing. Allele origin: germline.

NM_005188.4(CBL):c.484C>G (p.Leu162Val)

Gene: CBL (Cbl proto-oncogene; plus strand). Cytogenetic location: 11q23.3.
Variant type: single nucleotide variant.
Coding change: c.484C>G on transcript NM_005188.4 (MANE Select); coding-DNA position 484, C replaced by G.
Protein change: p.Leu162Val; replaces leucine 162 with valine.
Molecular consequence: missense variant.
Genome position (GRCh38, 1-based): chr11:119,271,775, C>G. VCF-style: chr11-119271775-C-G. GRCh37 (hg19) VCF-style: chr11-119142485-C-G.
Other names: c.484C>G (NM_005188.2); short protein forms L162V.
Identifiers: ClinVar variation 3716594 (VCV003716594.4).